The following is an entry in ClinVar:

NM_001267550.2(TTN):c.30224-8T>G

Gene: TTN (titin; minus strand). Cytogenetic location: 2q31.2.
Variant type: single nucleotide variant.
Coding change: c.30224-8T>G on transcript NM_001267550.2 (MANE Select); 8 bases into the intron before coding-DNA position 30224, T replaced by G.
Molecular consequence: intron variant.
Genome position (GRCh38, 1-based): chr2:178,702,671, A>C on the plus strand (T>G on the coding strand, the complement: TTN is on the minus strand). VCF-style: chr2-178702671-A-C. GRCh37 (hg19) VCF-style: chr2-179567398-A-C.
Other names: c.13282+35411T>G (NM_003319.4); c.13858+35411T>G (NM_133437.4); c.13657+35411T>G (NM_133432.3); c.26492-8T>G (NM_133378.4); c.29273-8T>G (NM_001256850.1).
Identifiers: ClinVar variation 46830 (VCV000046830.33), dbSNP rs72650010, ClinGen allele CA210972.

ClinVar aggregate classification (germline): Benign/Likely benign. Review status: criteria provided, multiple submitters, no conflicts (2 of 4 stars). 20 submissions from 13 submitters: Benign (13); Likely benign (4). 3 of the submissions do not count toward it. Last evaluated 2026-02-03.

Conditions:
Dilated cardiomyopathy 1G (CMD1G). Identifiers: Orphanet 154, MedGen C1858763, MONDO:0011400, OMIM 604145.
Autosomal recessive limb-girdle muscular dystrophy type 2J (LGMDR10). Also called: MUSCULAR DYSTROPHY, LIMB-GIRDLE, AUTOSOMAL RECESSIVE 10; Limb-girdle muscular dystrophy, type 2J. Identifiers: Orphanet 140922, MedGen C1837342, MONDO:0012127, OMIM 608807.
Cardiomyopathy (CMYO). Also called: Cardiomyopathies. Identifiers: Orphanet 167848, MedGen C0878544, MONDO:0004994, HP:0001638. Inheritance: Various modes of inheritance.
Early-onset myopathy with fatal cardiomyopathy (CMYO5). Also called: CONGENITAL MYOPATHY 5 WITH CARDIOMYOPATHY; Salih Myopathy. Identifiers: Orphanet 289377, MedGen C2673677, MONDO:0012714, OMIM 611705. Disease mechanism: loss of function.
Myopathy, myofibrillar, 9, with early respiratory failure (MFM9). Also called: Myopathy, distal, with early respiratory failure, autosomal dominant; Hereditary myopathy with early respiratory failure; MYOPATHY, PROXIMAL, WITH EARLY RESPIRATORY MUSCLE INVOLVEMENT; EDSTROM MYOPATHY. Identifiers: Orphanet 178464, Orphanet 34521, MedGen C1863599, MONDO:0011362, OMIM 603689.
Tibial muscular dystrophy (TMD). Also called: Udd Distal Myopathy – Tibial Muscular Dystrophy; Tibial muscular dystrophy, tardive; UDD MYOPATHY. Identifiers: Orphanet 609, MedGen C1838244, MONDO:0010870, OMIM 600334.

Allele frequency attached by ClinVar (database versions not stated): ESP Exome Variant Server 0.00083; gnomAD 0.00070; TOPMed 0.00104; 1000 Genomes Project 30x 0.00312; 1000 Genomes Project 0.00339.
gnomAD v4.1: 3,344 of 1,607,802 alleles (0.21%); highest among the groups gnomAD compares: South Asian, 1.7%; 43 homozygotes.

Submissions (20):

Labcorp Genetics (formerly Invitae), Labcorp
Classification: Benign for Dilated cardiomyopathy 1G; Autosomal recessive limb-girdle muscular dystrophy type 2J. Last evaluated: 2026-02-03. Review status: criteria provided, single submitter. Criteria: Invitae Variant Classification Sherloc (09022015). Collection method: clinical testing. Allele origin: germline.

Molecular Diagnostic Laboratory for Inherited Cardiovascular Disease, Montreal Heart Institute
Classification: Benign. Last evaluated: 2025-04-09. Review status: criteria provided, single submitter. Criteria: ACMG Guidelines, 2015. Collection method: clinical testing. Allele origin: germline. Affected: no.

Genome-Nilou Lab
Classification: Benign for Autosomal recessive limb-girdle muscular dystrophy type 2J. Last evaluated: 2021-09-10. Review status: criteria provided, single submitter. Criteria: ACMG Guidelines, 2015. Collection method: clinical testing. Allele origin: germline. Affected: no.

Genome-Nilou Lab
Classification: Benign for Myopathy, myofibrillar, 9, with early respiratory failure. Last evaluated: 2021-09-10. Review status: criteria provided, single submitter. Criteria: ACMG Guidelines, 2015. Collection method: clinical testing. Allele origin: germline. Affected: no.

Genome-Nilou Lab
Classification: Benign for Early-onset myopathy with fatal cardiomyopathy. Last evaluated: 2021-09-10. Review status: criteria provided, single submitter. Criteria: ACMG Guidelines, 2015. Collection method: clinical testing. Allele origin: germline. Affected: no.

Genome-Nilou Lab
Classification: Benign for Tibial muscular dystrophy. Last evaluated: 2021-09-10. Review status: criteria provided, single submitter. Criteria: ACMG Guidelines, 2015. Collection method: clinical testing. Allele origin: germline. Affected: no.

Women's Health and Genetics/Laboratory Corporation of America, LabCorp
Classification: Benign. Last evaluated: 2021-05-23. Review status: criteria provided, single submitter. Criteria: LabCorp Variant Classification Summary - May 2015. Collection method: clinical testing. Allele origin: germline.

Illumina Laboratory Services, Illumina
Classification: Likely benign for Dilated cardiomyopathy 1G. Last evaluated: 2018-01-13. Review status: criteria provided, single submitter. Criteria: ICSL Variant Classification Criteria 13 December 2019. Collection method: clinical testing. Allele origin: germline.
Comment: This variant was observed in the ICSL laboratory as part of a predisposition screen in an ostensibly healthy population. It had not been previously curated by ICSL or reported in the Human Gene Mutation Database (HGMD: prior to June 1st, 2018), and was therefore a candidate for classification through an automated scoring system. Utilizing variant allele frequency, disease prevalence and penetrance estimates, and inheritance mode, an automated score was calculated to assess if this variant is too frequent to cause the disease. Based on the score and internal cut-off values, a variant classified as likely benign is not then subjected to further curation. The score for this variant resulted in a classification of likely benign for this disease.

Illumina Laboratory Services, Illumina
Classification: Benign for Myopathy, myofibrillar, 9, with early respiratory failure. Last evaluated: 2018-01-13. Review status: criteria provided, single submitter. Criteria: ICSL Variant Classification Criteria 13 December 2019. Collection method: clinical testing. Allele origin: germline.
Comment: This variant was observed in the ICSL laboratory as part of a predisposition screen in an ostensibly healthy population. It had not been previously curated by ICSL or reported in the Human Gene Mutation Database (HGMD: prior to June 1st, 2018), and was therefore a candidate for classification through an automated scoring system. Utilizing variant allele frequency, disease prevalence and penetrance estimates, and inheritance mode, an automated score was calculated to assess if this variant is too frequent to cause the disease. Based on the score and internal cut-off values, a variant classified as benign is not then subjected to further curation. The score for this variant resulted in a classification of benign for this disease.

Illumina Laboratory Services, Illumina
Classification: Likely benign for Early-onset myopathy with fatal cardiomyopathy. Last evaluated: 2018-01-13. Review status: criteria provided, single submitter. Criteria: ICSL Variant Classification Criteria 13 December 2019. Collection method: clinical testing. Allele origin: germline.
Comment: the same text as in the submission from Illumina Laboratory Services, Illumina above.

Illumina Laboratory Services, Illumina
Classification: Benign for Tibial muscular dystrophy. Last evaluated: 2018-01-13. Review status: criteria provided, single submitter. Criteria: ICSL Variant Classification Criteria 13 December 2019. Collection method: clinical testing. Allele origin: germline.
Comment: the same text as in the submission from Illumina Laboratory Services, Illumina above.

Illumina Laboratory Services, Illumina
Classification: Likely benign for Autosomal recessive limb-girdle muscular dystrophy type 2J. Last evaluated: 2018-01-13. Review status: criteria provided, single submitter. Criteria: ICSL Variant Classification Criteria 13 December 2019. Collection method: clinical testing. Allele origin: germline.
Comment: the same text as in the submission from Illumina Laboratory Services, Illumina above.

CHEO Genetics Diagnostic Laboratory, Children's Hospital of Eastern Ontario
Classification: Benign for Cardiomyopathy. Last evaluated: 2017-11-24. Review status: criteria provided, single submitter. Criteria: ACMG Guidelines, 2015. Collection method: clinical testing. Allele origin: germline.

Eurofins Ntd Llc (ga)
Classification: Benign. Last evaluated: 2016-09-16. Review status: criteria provided, single submitter. Criteria: EGL Classification Definitions 2015. Collection method: clinical testing. Allele origin: germline. Observed: 8 variant alleles, 8 heterozygotes.

Laboratory for Molecular Medicine, Mass General Brigham Personalized Medicine
Classification: Benign. Last evaluated: 2015-08-11. Review status: criteria provided, single submitter. Criteria: LMM Criteria. Collection method: clinical testing. Allele origin: germline. Observed: 9 variant alleles.
Comment: c.26492-8T>G in intron 103 of TTN: This variant is not expected to have clinical significance because it has been identified in 1.9% (288/15254) of South Asian chromosomes by the Exome Aggregation Consortium (ExAC; dbSNP rs72650010).

GeneDx
Classification: Benign. Last evaluated: 2014-08-21. Review status: criteria provided, single submitter. Criteria: GeneDx Variant Classification (06012015). Collection method: clinical testing. Allele origin: germline. Affected: yes.
Comment: This variant is considered likely benign or benign based on one or more of the following criteria: it is a conservative change, it occurs at a poorly conserved position in the protein, it is predicted to be benign by multiple in silico algorithms, and/or has population frequency not consistent with disease.

Breakthrough Genomics
Classification: Likely benign. Review status: criteria provided, single submitter. Criteria: ACMG Guidelines, 2015. Collection method: not provided. Allele origin: germline. Inheritance: Autosomal recessive inheritance. Affected: yes.

Clinical Genetics DNA and cytogenetics Diagnostics Lab, Erasmus MC, Erasmus Medical Center
Classification: Benign. Review status: no assertion criteria provided. Collection method: clinical testing. Allele origin: germline. Affected: yes. Study: VKGL Data-share Consensus. Not counted in ClinVar's aggregate classification.

Clinical Genetics, Academic Medical Center
Classification: Benign. Review status: no assertion criteria provided. Collection method: clinical testing. Allele origin: germline. Affected: yes. Study: VKGL Data-share Consensus. Not counted in ClinVar's aggregate classification.

Joint Genome Diagnostic Labs from Nijmegen and Maastricht, Radboudumc and MUMC+
Classification: Benign. Review status: no assertion criteria provided. Collection method: clinical testing. Allele origin: germline. Affected: yes. Study: VKGL Data-share Consensus. Not counted in ClinVar's aggregate classification.

Literature cited by the submitters: PubMed 24503780 (cited by Laboratory for Molecular Medicine, Mass General Brigham Personalized Medicine).